The following is an entry in ClinVar:

ClinVar aggregate classification (germline): Uncertain significance. Review status: criteria provided, multiple submitters, no conflicts (2 of 4 stars). 4 submissions from 4 submitters: Uncertain significance (4). Last evaluated 2025-10-22.

Conditions:
Tietz syndrome (TADS). Also called: ALBINISM-DEAFNESS OF TIETZ; HYPOPIGMENTATION/DEAFNESS OF TIETZ; TIETZ ALBINISM-DEAFNESS SYNDROME. Identifiers: Orphanet 42665, MedGen C0391816, MONDO:0007077, OMIM 103500.
Waardenburg syndrome type 2A (WS2A). Also called: WAARDENBURG SYNDROME WITHOUT DYSTOPIA CANTHORUM. Identifiers: Orphanet 3440, MedGen C1860339, MONDO:0008671, OMIM 193510.
Melanoma, cutaneous malignant, susceptibility to, 8. Also called: MELANOMA AND RENAL CELL CARCINOMA, SUSCEPTIBILITY TO; Cutaneous malignant melanoma 8. Identifiers: Orphanet 293822, MedGen C3152204, MONDO:0013759, OMIM 614456.
Coloboma, osteopetrosis, microphthalmia, macrocephaly, albinism, and deafness (COMMAD). Also called: COMMAD syndrome. Identifiers: Orphanet 603494, MedGen C4310625, MONDO:0015014, OMIM 617306.
Hereditary cancer-predisposing syndrome. Also called: Hereditary neoplastic syndrome; Neoplastic Syndromes, Hereditary; Tumor predisposition; Hereditary Cancer Syndrome. Identifiers: Orphanet 140162, MedGen C0027672, MeSH D009386, MONDO:0015356.

Allele frequency attached by ClinVar (database versions not stated): ExAC 0.00002; ESP Exome Variant Server 0.00008.
gnomAD v4.1: 4 of 1,613,132 alleles (0.00025%); highest among the groups gnomAD compares: East Asian, 0.0022%; no homozygotes.

Submissions (4):

Labcorp Genetics (formerly Invitae), Labcorp
Classification: Uncertain significance for Melanoma, cutaneous malignant, susceptibility to, 8; Waardenburg syndrome type 2A; Tietz syndrome. Last evaluated: 2025-10-22. Review status: criteria provided, single submitter. Criteria: Invitae Variant Classification Sherloc (09022015). Collection method: clinical testing. Allele origin: germline.
Comment: This sequence change replaces serine, which is neutral and polar, with leucine, which is neutral and non-polar, at codon 151 of the MITF protein (p.Ser151Leu). This variant is present in population databases (rs142900294, gnomAD 0.003%). This variant has not been reported in the literature in individuals affected with MITF-related conditions. ClinVar contains an entry for this variant (Variation ID: 2096786). Invitae Evidence Modeling of protein sequence and biophysical properties (such as structural, functional, and spatial information, amino acid conservation, physicochemical variation, residue mobility, and thermodynamic stability) indicates that this missense variant is expected to disrupt MITF protein function with a positive predictive value of 80%. In summary, the available evidence is currently insufficient to determine the role of this variant in disease. Therefore, it has been classified as a Variant of Uncertain Significance.

Ambry Genetics
Classification: Uncertain significance for Hereditary cancer-predisposing syndrome. Last evaluated: 2024-12-14. Review status: criteria provided, single submitter. Criteria: Ambry Variant Classification Scheme 2023. Collection method: clinical testing. Allele origin: germline.
Comment: The p.S151L variant (also known as c.452C>T), located in coding exon 5 of the MITF gene, results from a C to T substitution at nucleotide position 452. The serine at codon 151 is replaced by leucine, an amino acid with dissimilar properties. This amino acid position is conserved. In addition, the in silico prediction for this alteration is inconclusive. Based on the available evidence, the clinical significance of this variant remains unclear.

Fulgent Genetics
Classification: Uncertain significance for Tietz syndrome; Waardenburg syndrome type 2A; Melanoma, cutaneous malignant, susceptibility to, 8; Coloboma, osteopetrosis, microphthalmia, macrocephaly, albinism, and deafness. Last evaluated: 2024-04-15. Review status: criteria provided, single submitter. Criteria: ACMG Guidelines, 2015. Collection method: clinical testing. Allele origin: germline.

GeneDx
Classification: Uncertain significance. Last evaluated: 2023-05-26. Review status: criteria provided, single submitter. Criteria: GeneDx Variant Classification Process June 2021. Collection method: clinical testing. Allele origin: germline. Affected: yes.
Comment: Not observed at significant frequency in large population cohorts (gnomAD); In silico analysis supports that this missense variant has a deleterious effect on protein structure/function; Has not been previously published as pathogenic or benign to our knowledge

NM_001354604.2(MITF):c.773C>T (p.Ser258Leu)

Gene: MITF (melanocyte inducing transcription factor; plus strand). Cytogenetic location: 3p13.
Variant type: single nucleotide variant.
Coding change: c.773C>T on transcript NM_001354604.2 (MANE Select); coding-DNA position 773, C replaced by T.
Protein change: p.Ser258Leu; replaces serine 258 with leucine.
Molecular consequence: missense variant.
Genome position (GRCh38, 1-based): chr3:69,949,061, C>T. VCF-style: chr3-69949061-C-T. GRCh37 (hg19) VCF-style: chr3-69998212-C-T.
Other names: c.452C>T, p.Ser151Leu (NM_000248.4, NM_198158.3); c.617C>T, p.Ser206Leu (NM_001184967.2, NM_001354608.2); c.770C>T, p.Ser257Leu (NM_001354605.2, NM_001354606.2, NM_006722.3); c.722C>T, p.Ser241Leu (NM_001354607.2); c.773C>T, p.Ser258Leu (NM_198159.3); c.725C>T, p.Ser242Leu (NM_198177.3); c.284C>T, p.Ser95Leu (NM_198178.3); short protein forms S151L, S241L, S206L, S242L, S257L, S258L, S95L.
Identifiers: ClinVar variation 2096786 (VCV002096786.7), dbSNP rs142900294, ClinGen allele CA2490474.